The following is an entry in ClinVar:

ClinVar aggregate classification (germline): Uncertain significance. Review status: criteria provided, multiple submitters, no conflicts (2 of 4 stars). 2 submissions from 2 submitters: Uncertain significance (2). Last evaluated 2025-11-19.

Conditions:
Neuropathy, hereditary sensory and autonomic, type 2A (HSAN2A). Also called: WNK1-Related HSAN2 (HSAN2A); ACROOSTEOLYSIS, GIACCAI TYPE; ACROOSTEOLYSIS, NEUROGENIC; HSAN IIA; MORVAN DISEASE; NEUROPATHY, CONGENITAL SENSORY. Identifiers: Orphanet 970, MedGen C2752089, MONDO:0024309, OMIM 201300.
Pseudohypoaldosteronism type 2C (PHA2C). Also called: Pseudohypoaldosteronism Type IIC. Identifiers: Orphanet 757, Orphanet 88940, MedGen C1840391, MONDO:0013778, OMIM 614492.

Allele frequency attached by ClinVar (database versions not stated): gnomAD 0.00001; gnomAD exomes 0.00001 and 0.00004; TOPMed 0.00001; ExAC 0.00002.

Submissions (2):

Labcorp Genetics (formerly Invitae), Labcorp
Classification: Uncertain significance for Neuropathy, hereditary sensory and autonomic, type 2A; Pseudohypoaldosteronism type 2C. Last evaluated: 2025-11-19. Review status: criteria provided, single submitter. Criteria: Invitae Variant Classification Sherloc (09022015). Collection method: clinical testing. Allele origin: germline.
Comment: This sequence change replaces alanine, which is neutral and non-polar, with threonine, which is neutral and polar, at codon 140 of the WNK1 protein (p.Ala140Thr). The frequency data for this variant in the population databases is considered unreliable, as metrics indicate poor data quality at this position in the gnomAD database. This variant has not been reported in the literature in individuals affected with WNK1-related conditions. ClinVar contains an entry for this variant (Variation ID: 648355). Invitae Evidence Modeling of protein sequence and biophysical properties (such as structural, functional, and spatial information, amino acid conservation, physicochemical variation, residue mobility, and thermodynamic stability) indicates that this missense variant is not expected to disrupt WNK1 protein function with a negative predictive value of 95%. In summary, the available evidence is currently insufficient to determine the role of this variant in disease. Therefore, it has been classified as a Variant of Uncertain Significance.

Fulgent Genetics
Classification: Uncertain significance for Neuropathy, hereditary sensory and autonomic, type 2A; Pseudohypoaldosteronism type 2C. Last evaluated: 2022-04-13. Review status: criteria provided, single submitter. Criteria: ACMG Guidelines, 2015. Collection method: clinical testing. Allele origin: unknown.

NM_018979.4(WNK1):c.418G>A (p.Ala140Thr)

Gene: WNK1 (WNK lysine deficient protein kinase 1; plus strand). Cytogenetic location: 12p13.33.
Variant type: single nucleotide variant.
Coding change: c.418G>A on transcript NM_018979.4 (MANE Select); coding-DNA position 418, G replaced by A.
Protein change: p.Ala140Thr; replaces alanine 140 with threonine.
Molecular consequence: missense variant.
Genome position (GRCh38, 1-based): chr12:753,983, G>A. VCF-style: chr12-753983-G-A. GRCh37 (hg19) VCF-style: chr12-863149-G-A.
Other names: c.418G>A, p.Ala140Thr (NM_001184985.2, NM_014823.3, NM_213655.5); short protein forms A140T.
Identifiers: ClinVar variation 648355 (VCV000648355.9), dbSNP rs777744427, ClinGen allele CA6381783.